The following is an entry in ClinVar:

NM_003542.4(H4C3):c.111T>C (p.Arg37=)

Gene: H4C3 (H4 clustered histone 3; plus strand). Cytogenetic location: 6p22.2.
Variant type: single nucleotide variant.
Coding change: c.111T>C on transcript NM_003542.4 (MANE Select); coding-DNA position 111, T replaced by C.
Protein change: p.Arg37=; no amino-acid change (arginine 37 retained).
Molecular consequence: synonymous variant.
Genome position (GRCh38, 1-based): chr6:26,104,058, T>C. VCF-style: chr6-26104058-T-C. GRCh37 (hg19) VCF-style: chr6-26104286-T-C.
Identifiers: ClinVar variation 4823551 (VCV004823551.4).

ClinVar aggregate classification (germline): Likely benign (1 of 4 stars; one submission).

gnomAD v4.1: 42 of 1,614,038 alleles (0.0026%); highest among the groups gnomAD compares: Admixed American, 0.06%; no homozygotes.

Submission:

CeGaT Center for Human Genetics Tuebingen
Classification: Likely benign. Last evaluated: 2026-03-01. Review status: criteria provided, single submitter. Criteria: CeGaT Center For Human Genetics Tuebingen Variant Classification Criteria Version 2. Collection method: clinical testing. Allele origin: germline. Affected: yes. Observed: 1 variant allele.
Comment: H4C3: BP4, BP7